The following is an entry in ClinVar:

ClinVar aggregate classification (germline): Uncertain significance (1 of 4 stars; one submission).

Conditions:
Hereditary cancer-predisposing syndrome. Also called: Tumor predisposition; Hereditary Cancer Syndrome; Hereditary neoplastic syndrome; Neoplastic Syndromes, Hereditary. Identifiers: Orphanet 140162, MedGen C0027672, MeSH D009386, MONDO:0015356.

Submission:

Ambry Genetics
Classification: Uncertain significance for Hereditary cancer-predisposing syndrome. Last evaluated: 2024-04-16. Review status: criteria provided, single submitter. Criteria: Ambry Variant Classification Scheme 2023. Collection method: clinical testing. Allele origin: germline.
Comment: The p.F395L variant (also known as c.1185C>G), located in coding exon 12 of the FANCC gene, results from a C to G substitution at nucleotide position 1185. The phenylalanine at codon 395 is replaced by leucine, an amino acid with highly similar properties. This amino acid position is conserved. In addition, this alteration is predicted to be tolerated by in silico analysis. Based on the available evidence, the clinical significance of this variant remains unclear.

NM_000136.3(FANCC):c.1185C>G (p.Phe395Leu)

Genes: AOPEP (aminopeptidase O (putative); plus strand), FANCC (FA complementation group C; minus strand). Cytogenetic location: 9q22.32.
Variant type: single nucleotide variant.
Coding change: c.1185C>G on transcript NM_000136.3 (MANE Select); coding-DNA position 1185, C replaced by G.
Protein change: p.Phe395Leu; replaces phenylalanine 395 with leucine.
Molecular consequence: missense variant.
Genome position (GRCh38, 1-based): chr9:95,111,607, G>C on the plus strand (C>G on the coding strand, the complement: FANCC is on the minus strand). VCF-style: chr9-95111607-G-C. GRCh37 (hg19) VCF-style: chr9-97873889-G-C.
Other names: c.1185C>G, p.Phe395Leu (NM_001243743.2, NM_001243744.2); short protein forms F395L.
Identifiers: ClinVar variation 3277619 (VCV003277619.1).